The following is an entry in ClinVar:

NM_015922.3(NSDHL):c.796C>T (p.His266Tyr)

Gene: NSDHL (NAD(P) dependent 3-beta-hydroxysteroid dehydrogenase NSDHL; plus strand). Cytogenetic location: Xq28.
Variant type: single nucleotide variant.
Coding change: c.796C>T on transcript NM_015922.3 (MANE Select); coding-DNA position 796, C replaced by T.
Protein change: p.His266Tyr; replaces histidine 266 with tyrosine.
Molecular consequence: missense variant.
Genome position (GRCh38, 1-based): chrX:152,868,790, C>T. VCF-style: chrX-152868790-C-T. GRCh37 (hg19) VCF-style: chrX-152037334-C-T.
Other names: c.796C>T, p.His266Tyr (NM_001129765.2); short protein forms H266Y.
Identifiers: ClinVar variation 1800569 (VCV001800569.2), dbSNP rs2521816926, ClinGen allele CA415287049.

ClinVar aggregate classification (germline): Conflicting classifications of pathogenicity. Review status: criteria provided, conflicting classifications (1 of 4 stars). 2 submissions from 2 submitters: Uncertain significance (1); Likely benign (1). Last evaluated 2024-09-20.

Conditions:
Child syndrome. Also called: CHILD (Congenital Hemidysplasia with Ichthyosiform Nevus and Limb Defects) Syndrome. Identifiers: Orphanet 139, MedGen C0265267, MONDO:0010621, OMIM 308050.
CK syndrome. Also called: MENTAL RETARDATION, X-LINKED, WITH THIN BODY HABITUS AND CORTICAL MALFORMATION. Identifiers: Orphanet 251383, MedGen C3151781, MONDO:0010441, OMIM 300831.

Submissions (2):

3billion
Classification: Likely benign for CK syndrome; Child syndrome. Last evaluated: 2024-09-20. Review status: criteria provided, single submitter. Criteria: ACMG Guidelines, 2015. Collection method: clinical testing. Allele origin: germline. Affected: no.
Comment: The hemizygous variant was found in patients diagnosed with another variant in a different gene, with no symptoms related to the gene containing the hemizygous variant.

GeneDx
Classification: Uncertain significance. Last evaluated: 2022-05-19. Review status: criteria provided, single submitter. Criteria: GeneDx Variant Classification Process June 2021. Collection method: clinical testing. Allele origin: germline. Affected: yes.
Comment: Not observed at significant frequency in large population cohorts (gnomAD); In silico analysis supports that this missense variant does not alter protein structure/function; Has not been previously published as pathogenic or benign to our knowledge